The following is an entry in ClinVar:

ClinVar aggregate classification (germline): Uncertain significance. Review status: criteria provided, multiple submitters, no conflicts (2 of 4 stars). 2 submissions from 2 submitters: Uncertain significance (2). Last evaluated 2023-08-17.

Conditions:
Schwartz-Jampel syndrome type 1 (SJS1). Also called: MYOTONIC MYOPATHY, DWARFISM, CHONDRODYSTROPHY, AND OCULAR AND FACIAL ABNORMALITIES; CHONDRODYSTROPHIC MYOTONIA. Identifiers: MedGen C4551479, MONDO:0100435, OMIM 255800.

Allele frequency attached by ClinVar (database versions not stated): TOPMed 0.00006; ExAC 0.00007; gnomAD 0.00008 and 0.00009; gnomAD exomes 0.00008 and 0.00014.
gnomAD v4.1: 219 of 1,614,064 alleles (0.014%); highest among the groups gnomAD compares: Non-Finnish European, 0.016%; no homozygotes.

Submissions (2):

Labcorp Genetics (formerly Invitae), Labcorp
Classification: Uncertain significance. Last evaluated: 2023-08-17. Review status: criteria provided, single submitter. Criteria: Invitae Variant Classification Sherloc (09022015). Collection method: clinical testing. Allele origin: germline.
Comment: An algorithm developed to predict the effect of missense changes on protein structure and function (PolyPhen-2) suggests that this variant is likely to be tolerated. In summary, the available evidence is currently insufficient to determine the role of this variant in disease. Therefore, it has been classified as a Variant of Uncertain Significance. ClinVar contains an entry for this variant (Variation ID: 1678632). This variant has not been reported in the literature in individuals affected with HSPG2-related conditions. This variant is present in population databases (rs765463910, gnomAD 0.02%). This sequence change replaces asparagine, which is neutral and polar, with serine, which is neutral and polar, at codon 3095 of the HSPG2 protein (p.Asn3095Ser).

Molecular Genetics, Royal Melbourne Hospital
Classification: Uncertain significance for Schwartz-Jampel syndrome type 1. Last evaluated: 2023-03-30. Review status: criteria provided, single submitter. Criteria: ACMG Guidelines, 2015. Collection method: clinical testing. Allele origin: germline.
Comment: This sequence change is predicted to replace asparagine with serine at codon 3095 of the HSPG2 protein, p.(Asn3095Ser). The asparagine residue is moderately conserved (100 vertebrates, UCSC), and located in the Ig-like C2-type 16 domain. There is a small physicochemical difference between asparagine and serine. The variant is present in a large population cohort at a frequency of 0.008%, which is consistent with a recessive condition (rs765463910, 22/282,742 alleles, 0 homozygotes in gnomAD v2.1). The variant has not been reported in the relevant medical literature or databases. Multiple lines of computational evidence predict a deleterious effect for the missense substitution (5/7 algorithms). Based on the classification scheme RMH ACMG Guidelines v1.2.1, this variant is classified as a VARIANT OF UNCERTAIN SIGNIFICANCE. Following criteria are met: PM2, PP3.

NM_005529.7(HSPG2):c.9284A>G (p.Asn3095Ser)

Gene: HSPG2 (heparan sulfate proteoglycan 2; minus strand). Cytogenetic location: 1p36.12.
Variant type: single nucleotide variant.
Coding change: c.9284A>G on transcript NM_005529.7 (MANE Select); coding-DNA position 9284, A replaced by G.
Protein change: p.Asn3095Ser; replaces asparagine 3095 with serine.
Molecular consequence: missense variant.
Genome position (GRCh38, 1-based): chr1:21,841,583, T>C on the plus strand (A>G on the coding strand, the complement: HSPG2 is on the minus strand). VCF-style: chr1-21841583-T-C. GRCh37 (hg19) VCF-style: chr1-22168076-T-C.
Other names: c.9287A>G, p.Asn3096Ser (NM_001291860.2); short protein forms N3095S, N3096S.
Identifiers: ClinVar variation 1678632 (VCV001678632.7), dbSNP rs765463910, ClinGen allele CA670498.